The following is an entry in ClinVar:

NM_001347721.2(DYRK1A):c.777G>A (p.Gln259=)

Gene: DYRK1A (dual specificity tyrosine phosphorylation regulated kinase 1A; plus strand). Cytogenetic location: 21q22.13.
Variant type: single nucleotide variant.
Coding change: c.777G>A on transcript NM_001347721.2 (MANE Select); coding-DNA position 777, G replaced by A.
Protein change: p.Gln259=; no amino-acid change (glutamine 259 retained).
Molecular consequence: synonymous variant.
Genome position (GRCh38, 1-based): chr21:37,490,314, G>A. VCF-style: chr21-37490314-G-A. GRCh37 (hg19) VCF-style: chr21-38862616-G-A.
Other names: c.777G>A, p.Gln259= (NM_001347722.2, NM_130436.2); c.690G>A, p.Gln230= (NM_001347723.2); c.804G>A, p.Gln268= (NM_001396.5, NM_101395.2, NM_130438.2).
Identifiers: ClinVar variation 512373 (VCV000512373.4), dbSNP rs1555984261, ClinGen allele CA512327777.

ClinVar aggregate classification (germline): Likely benign. Review status: criteria provided, multiple submitters, no conflicts (2 of 4 stars). 2 submissions from 2 submitters: Likely benign (2). Last evaluated 2025-05-05.

Conditions:
DYRK1A-related intellectual disability syndrome (MRD7). Also called: DYRK1A Syndrome; Intellectual developmental disorder, autosomal dominant 7. Identifiers: Orphanet 464306, MedGen C5568143, MONDO:0013578, OMIM 614104.

Allele frequency attached by ClinVar (database versions not stated): gnomAD exomes below 0.00001.
gnomAD v4.1: 2 of 1,613,792 alleles (0.00012%); highest among the groups gnomAD compares: Non-Finnish European, 0.00017%; no homozygotes.

Submissions (2):

Labcorp Genetics (formerly Invitae), Labcorp
Classification: Likely benign for DYRK1A-related intellectual disability syndrome. Last evaluated: 2025-05-05. Review status: criteria provided, single submitter. Criteria: Invitae Variant Classification Sherloc (09022015). Collection method: clinical testing. Allele origin: germline.

GeneDx
Classification: Likely benign. Last evaluated: 2017-09-28. Review status: criteria provided, single submitter. Criteria: GeneDx Variant Classification (06012015). Collection method: clinical testing. Allele origin: germline. Affected: yes.
Comment: This variant is considered likely benign or benign based on one or more of the following criteria: it is a conservative change, it occurs at a poorly conserved position in the protein, it is predicted to be benign by multiple in silico algorithms, and/or has population frequency not consistent with disease.